The following is an entry in ClinVar:

NM_001172509.2(SATB2):c.1535A>G (p.Lys512Arg)

Gene: SATB2 (SATB homeobox 2; minus strand). Cytogenetic location: 2q33.1.
Variant type: single nucleotide variant.
Coding change: c.1535A>G on transcript NM_001172509.2 (MANE Select); coding-DNA position 1535, A replaced by G.
Protein change: p.Lys512Arg; replaces lysine 512 with arginine.
Molecular consequence: missense variant.
Genome position (GRCh38, 1-based): chr2:199,323,810, T>C on the plus strand (A>G on the coding strand, the complement: SATB2 is on the minus strand). VCF-style: chr2-199323810-T-C. GRCh37 (hg19) VCF-style: chr2-200188533-T-C.
Other names: c.1535A>G, p.Lys512Arg (NM_001172517.1, NM_015265.4); short protein forms K512R.
Identifiers: ClinVar variation 4976051 (VCV004976051.1).

ClinVar aggregate classification (germline): Uncertain significance (1 of 4 stars; one submission).

Submission:

GeneDx
Classification: Uncertain significance. Last evaluated: 2026-02-04. Review status: criteria provided, single submitter. Criteria: GeneDx Variant Classification Process June 2021. Collection method: clinical testing. Allele origin: germline.
Comment: Not observed at significant frequency in large population cohorts (gnomAD); In silico analysis suggests that this missense variant does not alter protein structure/function; Has not been previously published as pathogenic or benign to our knowledge